The following is an entry in ClinVar:

ClinVar aggregate classification (germline): Uncertain significance. Review status: criteria provided, multiple submitters, no conflicts (2 of 4 stars). 2 submissions from 2 submitters: Uncertain significance (2). Last evaluated 2025-05-28.

Conditions:
Hereditary cancer-predisposing syndrome. Also called: Hereditary Cancer Syndrome; Hereditary neoplastic syndrome; Tumor predisposition; Neoplastic Syndromes, Hereditary. Identifiers: Orphanet 140162, MedGen C0027672, MeSH D009386, MONDO:0015356.
Familial cancer of breast. Also called: hereditary breast carcinoma; BREAST CANCER, FAMILIAL; Hereditary breast cancer. Identifiers: Orphanet 227535, MedGen C0346153, MONDO:0016419, OMIM 114480. Disease mechanism: loss of function.

Submissions (2):

Ambry Genetics
Classification: Uncertain significance for Hereditary cancer-predisposing syndrome. Last evaluated: 2025-05-28. Review status: criteria provided, single submitter. Criteria: Ambry Variant Classification Scheme 2023. Collection method: clinical testing. Allele origin: germline.
Comment: The p.A175T variant (also known as c.523G>A), located in coding exon 4 of the BARD1 gene, results from a G to A substitution at nucleotide position 523. The alanine at codon 175 is replaced by threonine, an amino acid with similar properties. This amino acid position is conserved. In addition, this alteration is predicted to be tolerated by in silico analysis. Based on the available evidence, the clinical significance of this variant remains unclear.

Labcorp Genetics (formerly Invitae), Labcorp
Classification: Uncertain significance for Familial cancer of breast. Last evaluated: 2023-06-16. Review status: criteria provided, single submitter. Criteria: Invitae Variant Classification Sherloc (09022015). Collection method: clinical testing. Allele origin: germline.
Comment: This sequence change replaces alanine, which is neutral and non-polar, with threonine, which is neutral and polar, at codon 175 of the BARD1 protein (p.Ala175Thr). In summary, the available evidence is currently insufficient to determine the role of this variant in disease. Therefore, it has been classified as a Variant of Uncertain Significance. Algorithms developed to predict the effect of missense changes on protein structure and function output the following: SIFT: "Not Available"; PolyPhen-2: "Benign"; Align-GVGD: "Not Available". The threonine amino acid residue is found in multiple mammalian species, which suggests that this missense change does not adversely affect protein function. This variant has not been reported in the literature in individuals affected with BARD1-related conditions. This variant is not present in population databases (gnomAD no frequency).

NM_000465.4(BARD1):c.523G>A (p.Ala175Thr)

Gene: BARD1 (BRCA1 associated RING domain 1; minus strand). Cytogenetic location: 2q35.
Variant type: single nucleotide variant.
Coding change: c.523G>A on transcript NM_000465.4 (MANE Select); coding-DNA position 523, G replaced by A.
Protein change: p.Ala175Thr; replaces alanine 175 with threonine.
Molecular consequence: missense variant. On other transcripts: non-coding transcript variant (2), intron variant (3).
Genome position (GRCh38, 1-based): chr2:214,781,351, C>T on the plus strand (G>A on the coding strand, the complement: BARD1 is on the minus strand). VCF-style: chr2-214781351-C-T. GRCh37 (hg19) VCF-style: chr2-215646075-C-T.
Other names: c.523G>A (NM_000465.2); c.466G>A, p.Ala156Thr (NM_001282543.2); c.158+28061G>A (NM_001282548.2); c.215+15710G>A (NM_001282545.2); c.364+10946G>A (NM_001282549.2); short protein forms A175T, A156T.
Identifiers: ClinVar variation 2902604 (VCV002902604.4), dbSNP rs2106111979, ClinGen allele CA350457469.